The following is an entry in ClinVar:

NM_033100.4(CDHR1):c.673G>A (p.Val225Met)

Gene: CDHR1 (cadherin related family member 1; plus strand). Cytogenetic location: 10q23.1.
Variant type: single nucleotide variant.
Coding change: c.673G>A on transcript NM_033100.4 (MANE Select); coding-DNA position 673, G replaced by A.
Protein change: p.Val225Met; replaces valine 225 with methionine.
Molecular consequence: missense variant.
Genome position (GRCh38, 1-based): chr10:84,203,013, G>A. VCF-style: chr10-84203013-G-A. GRCh37 (hg19) VCF-style: chr10-85962769-G-A.
Other names: c.673G>A, p.Val225Met (NM_001171971.3); short protein forms V225M.
Identifiers: ClinVar variation 1441697 (VCV001441697.7), dbSNP rs1413854773, ClinGen allele CA377372598.
Genomic context (GRCh38, chr10:84,203,013, plus strand): 5'-CTCCTGTGGCCTCCGATTCTTCTGCAGGATGGCGGTGGGAGGCTTCATGGGGCTGATGTG[G>A]TGTTCTCAGCCACCACCACGGTCACGGTCAATGTGGAGGATGTTCAGGACATGGCCCCTG-3'
Protein context (NP_149091.1, residues 215-235): GGGRLHGADV[Val225Met]FSATTTVTVN

ClinVar aggregate classification (germline): Uncertain significance (1 of 4 stars; one submission).

gnomAD v4.1: 3 of 1,614,204 alleles (0.00019%); highest among the groups gnomAD compares: Admixed American, 0.005%; no homozygotes.

Submission:

Labcorp Genetics (formerly Invitae), Labcorp
Classification: Uncertain significance. Last evaluated: 2022-09-27. Review status: criteria provided, single submitter. Criteria: Invitae Variant Classification Sherloc (09022015). Collection method: clinical testing. Allele origin: germline.
Comment: In summary, the available evidence is currently insufficient to determine the role of this variant in disease. Therefore, it has been classified as a Variant of Uncertain Significance. This sequence change replaces valine, which is neutral and non-polar, with methionine, which is neutral and non-polar, at codon 225 of the CDHR1 protein (p.Val225Met). This variant is present in population databases (no rsID available, gnomAD 0.009%). This variant has not been reported in the literature in individuals affected with CDHR1-related conditions. ClinVar contains an entry for this variant (Variation ID: 1441697). Advanced modeling of protein sequence and biophysical properties (such as structural, functional, and spatial information, amino acid conservation, physicochemical variation, residue mobility, and thermodynamic stability) performed at Invitae indicates that this missense variant is not expected to disrupt CDHR1 protein function.